The following is an entry in ClinVar:

NM_018255.4(ELP2):c.1381C>A (p.Leu461Ile)

Gene: ELP2 (elongator acetyltransferase complex subunit 2; plus strand). Cytogenetic location: 18q12.2.
Variant type: single nucleotide variant.
Coding change: c.1381C>A on transcript NM_018255.4 (MANE Select); coding-DNA position 1381, C replaced by A.
Protein change: p.Leu461Ile; replaces leucine 461 with isoleucine.
Molecular consequence: missense variant. On other transcripts: non-coding transcript variant (4).
Genome position (GRCh38, 1-based): chr18:36,156,571, C>A. VCF-style: chr18-36156571-C-A. GRCh37 (hg19) VCF-style: chr18-33736534-C-A.
Other names: c.1576C>A, p.Leu526Ile (NM_001242875.3); c.1366C>A, p.Leu456Ile (NM_001242876.3); c.1303C>A, p.Leu435Ile (NM_001242877.3); c.1171C>A, p.Leu391Ile (NM_001242878.3, NM_001242879.3); c.1249C>A, p.Leu417Ile (NM_001324465.2); c.1498C>A, p.Leu500Ile (NM_001324466.2); c.1231C>A, p.Leu411Ile (NM_001324467.2); c.934C>A, p.Leu312Ile (NM_001324468.2); short protein forms L411I, L500I, L417I, L435I, L312I, L461I, L526I, L391I.
Identifiers: ClinVar variation 1030308 (VCV001030308.1), dbSNP rs35094617, ClinGen allele CA8939944.
Genomic context (GRCh38, chr18:36,156,571, plus strand): 5'-CTGAAATGTTTGGCAATGATTAATCGGTTTCAGTTTGTATCTGGAGCAGATGAAAAAGTT[C>A]TTCGGGTTTTTTCTGCACCTCGGAATTTTGTGGAAAATTTTTGTGCCATTACAGGACAAT-3'
Protein context (NP_060725.1, residues 451-471): QFVSGADEKV[Leu461Ile]RVFSAPRNFV

ClinVar aggregate classification (germline): Uncertain significance (1 of 4 stars; one submission).

Conditions:
Intellectual developmental disorder, autosomal recessive 58. Also called: Intellectual disability, autosomal recessive 58. Identifiers: MedGen C4310641, MONDO:0014996, OMIM 617270.

Allele frequency attached by ClinVar (database versions not stated): gnomAD exomes 0.00007; gnomAD 0.00057 and 0.00058; TOPMed 0.00074; ESP Exome Variant Server 0.00100; 1000 Genomes Project 0.00140; 1000 Genomes Project 30x 0.00141.
gnomAD v4.1: 193 of 1,614,038 alleles (0.012%); highest among the groups gnomAD compares: African/African-American, 0.21%; no homozygotes.

Submission:

Baylor Genetics
Classification: Uncertain significance for Intellectual developmental disorder, autosomal recessive 58. Last evaluated: 2019-08-23. Review status: criteria provided, single submitter. Criteria: ACMG Guidelines, 2015. Collection method: clinical testing. Allele origin: unknown. Affected: yes.
Comment: This variant was determined to be of uncertain significance according to ACMG Guidelines, 2015 [PMID:25741868].